The following is an entry in ClinVar:

ClinVar aggregate classification (germline): Uncertain significance. Review status: criteria provided, multiple submitters, no conflicts (2 of 4 stars). 5 submissions from 5 submitters: Uncertain significance (5). Last evaluated 2026-02-14.

Conditions:
Inborn genetic diseases. Identifiers: MedGen C0950123, MeSH D030342.
Arterial calcification, generalized, of infancy, 2. Identifiers: Orphanet 51608, MedGen C3276161, MONDO:0013768, OMIM 614473.
Autosomal recessive inherited pseudoxanthoma elasticum (PXE). Identifiers: Orphanet 758, MedGen CN032334, MONDO:0009925, OMIM 264800.
Pseudoxanthoma elasticum, forme fruste. Also called: Pseudoxanthoma Elasticum, Incomplete; PSEUDOXANTHOMA ELASTICUM, HETEROZYGOUS. Identifiers: Orphanet 758, MedGen C1867450, MONDO:0008333, OMIM 177850.

Allele frequency attached by ClinVar (database versions not stated): gnomAD exomes below 0.00001 and 0.00002; ExAC 0.00001; gnomAD 0.00001; TOPMed 0.00001; ESP Exome Variant Server 0.00008.
gnomAD v4.1: 27 of 1,613,916 alleles (0.0017%); highest among the groups gnomAD compares: East Asian, 0.0045%; no homozygotes.

Submissions (5):

GeneDx
Classification: Uncertain significance. Last evaluated: 2026-02-14. Review status: criteria provided, single submitter. Criteria: GeneDx Variant Classification Process June 2021. Collection method: clinical testing. Allele origin: germline.
Comment: Reported as a single heterozygous variant in a proband with thoracic aortic aneurysm; however, a second ABCC6 variant was not identified and detailed clinical information was not provided (PMID: 35830949); In silico analysis supports that this missense variant has a deleterious effect on protein structure/function; This variant is associated with the following publications: (PMID: 35830949)

Blueprint Genetics
Classification: Uncertain significance. Last evaluated: 2023-12-20. Review status: criteria provided, single submitter. Criteria: ACMG Guidelines, 2015. Collection method: clinical testing. Allele origin: germline.

Labcorp Genetics (formerly Invitae), Labcorp
Classification: Uncertain significance. Last evaluated: 2022-06-14. Review status: criteria provided, single submitter. Criteria: Invitae Variant Classification Sherloc (09022015). Collection method: clinical testing. Allele origin: germline.
Comment: In summary, the available evidence is currently insufficient to determine the role of this variant in disease. Therefore, it has been classified as a Variant of Uncertain Significance. Algorithms developed to predict the effect of missense changes on protein structure and function output the following: SIFT: "Deleterious"; PolyPhen-2: "Benign"; Align-GVGD: "Class C0". The leucine amino acid residue is found in multiple mammalian species, which suggests that this missense change does not adversely affect protein function. This variant has not been reported in the literature in individuals affected with ABCC6-related conditions. This variant is present in population databases (rs142128765, gnomAD 0.005%). This sequence change replaces proline, which is neutral and non-polar, with leucine, which is neutral and non-polar, at codon 1163 of the ABCC6 protein (p.Pro1163Leu).

Fulgent Genetics
Classification: Uncertain significance for Pseudoxanthoma elasticum, forme fruste; Autosomal recessive inherited pseudoxanthoma elasticum; Arterial calcification, generalized, of infancy, 2. Last evaluated: 2022-02-08. Review status: criteria provided, single submitter. Criteria: ACMG Guidelines, 2015. Collection method: clinical testing. Allele origin: unknown.

Ambry Genetics
Classification: Uncertain significance for Inborn genetic diseases. Last evaluated: 2021-12-14. Review status: criteria provided, single submitter. Criteria: Ambry Variant Classification Scheme 2023. Collection method: clinical testing. Allele origin: germline.

NM_001171.6(ABCC6):c.3488C>T (p.Pro1163Leu)

Gene: ABCC6 (ATP binding cassette subfamily C member 6; minus strand). Cytogenetic location: 16p13.11.
Variant type: single nucleotide variant.
Coding change: c.3488C>T on transcript NM_001171.6 (MANE Select); coding-DNA position 3488, C replaced by T.
Protein change: p.Pro1163Leu; replaces proline 1163 with leucine.
Molecular consequence: missense variant.
Genome position (GRCh38, 1-based): chr16:16,163,011, G>A on the plus strand (C>T on the coding strand, the complement: ABCC6 is on the minus strand). VCF-style: chr16-16163011-G-A. GRCh37 (hg19) VCF-style: chr16-16256868-G-A.
Other names: c.3146C>T, p.Pro1049Leu (NM_001351800.1); c.3488C>T (NM_001171.5); short protein forms P1163L, P1049L.
Identifiers: ClinVar variation 1479567 (VCV001479567.9), dbSNP rs142128765, ClinGen allele CA7925572.